The following is an entry in ClinVar:

NM_006218.4(PIK3CA):c.3010A>G (p.Met1004Val)

Gene: PIK3CA (phosphatidylinositol-4,5-bisphosphate 3-kinase catalytic subunit alpha; plus strand). Cytogenetic location: 3q26.32.
Variant type: single nucleotide variant.
Coding change: c.3010A>G on transcript NM_006218.4 (MANE Select); coding-DNA position 3010, A replaced by G.
Protein change: p.Met1004Val; replaces methionine 1004 with valine.
Molecular consequence: missense variant.
Genome position (GRCh38, 1-based): chr3:179,234,167, A>G. VCF-style: chr3-179234167-A-G. GRCh37 (hg19) VCF-style: chr3-178951955-A-G.
Other names: short protein forms M1004V.
Identifiers: ClinVar variation 1704826 (VCV001704826.3), dbSNP rs2108429262, ClinGen allele CA355284901.

ClinVar aggregate classification (germline): Conflicting classifications of pathogenicity. Review status: criteria provided, conflicting classifications (1 of 4 stars). 2 submissions from 2 submitters: Likely pathogenic (1); Uncertain significance (1). Last evaluated 2026-03-28.

Conditions:
PIK3CA constitutional syndrome.

Allele frequency attached by ClinVar (database versions not stated): gnomAD exomes below 0.00001.

Submissions (2):

Laboratoire de Cytogenomique, Chu Angers
Classification: Likely pathogenic for PIK3CA constitutional syndrome. Last evaluated: 2026-03-28. Review status: criteria provided, single submitter. Criteria: ACMG Guidelines, 2015. Collection method: clinical testing. Allele origin: germline. Affected: yes. Observed: 2 variant alleles.
Comment: The PIK3CA NM_006218.4:c.3010A>G (p.Met1004Val) variant is a missense variant affecting the kinase domain of the p110α protein, a critical region involved in catalytic activity (PM1, PP2). This variant is absent from population databases (gnomAD v2) (PM2). The variant was identified in two affected individuals from the same family (mother and daughter) and segregates with the phenotype (PP1_supporting). Both individuals present with macrocephaly (+4.7 SD and +3 SD), shared craniofacial features (high and broad forehead), and vascular anomalies (hemangioma). Brain imaging revealed posterior fossa abnormalities in both. In silico prediction tools support a deleterious effect on the protein (PP3). Variants affecting this region of PIK3CA have been previously reported in oncological and developmental contexts (PMID: 30996962; PMID: 28475857) (PP5_supporting). In summary, this variant is classified as likely pathogenic according to ACMG/AMP criteria: PM1, PM2, PP2, PP3, PP5_supporting, PP1_supporting.

GeneDx
Classification: Uncertain significance. Last evaluated: 2022-02-11. Review status: criteria provided, single submitter. Criteria: GeneDx Variant Classification Process June 2021. Collection method: clinical testing. Allele origin: germline. Affected: yes.
Comment: Not observed at significant frequency in large population cohorts (gnomAD); In silico analysis supports that this missense variant has a deleterious effect on protein structure/function; Has not been previously reported as a pathogenic or benign germline variant to our knowledge; This variant is associated with the following publications: (PMID: 31619463, 26552420, 32123305, 32650224)

Literature cited by the submitters: PubMed 30996962 (cited by Laboratoire de Cytogenomique, Chu Angers); PubMed 28475857 (cited by Laboratoire de Cytogenomique, Chu Angers).